The following is an entry in ClinVar:

ClinVar aggregate classification (germline): Uncertain significance (1 of 4 stars; one submission).

Submission:

GeneDx
Classification: Uncertain significance. Last evaluated: 2024-08-23. Review status: criteria provided, single submitter. Criteria: GeneDx Variant Classification Process June 2021. Collection method: clinical testing. Allele origin: germline. Affected: yes.
Comment: Not observed at significant frequency in large population cohorts (gnomAD); In silico analysis supports that this missense variant has a deleterious effect on protein structure/function; Has not been previously published as pathogenic or benign to our knowledge

NM_018896.5(CACNA1G):c.959A>G (p.Tyr320Cys)

Gene: CACNA1G (calcium voltage-gated channel subunit alpha1 G; plus strand). Cytogenetic location: 17q21.33.
Variant type: single nucleotide variant.
Coding change: c.959A>G on transcript NM_018896.5 (MANE Select); coding-DNA position 959, A replaced by G.
Protein change: p.Tyr320Cys; replaces tyrosine 320 with cysteine.
Molecular consequence: missense variant. On other transcripts: non-coding transcript variant (5).
Genome position (GRCh38, 1-based): chr17:50,572,766, A>G. VCF-style: chr17-50572766-A-G. GRCh37 (hg19) VCF-style: chr17-48650127-A-G.
Other names: c.959A>G, p.Tyr320Cys (NM_001256324.2, NM_001256325.2, NM_001256326.2 and 24 more transcripts); short protein forms Y320C.
Identifiers: ClinVar variation 3764446 (VCV003764446.1).
Genomic context (GRCh38, chr17:50,572,766, plus strand): 5'-TGGACTATGAGGCCTACAACAGCTCCAGCAACACCACCTGTGTCAACTGGAACCAGTACT[A>G]CACCAACTGCTCAGCGGGGGAGCACAACCCCTTCAAGGGCGCCATCAACTTTGACAACAT-3'
Protein context (NP_061496.2, residues 310-330): NTTCVNWNQY[Tyr320Cys]TNCSAGEHNP